The following continues an entry in ClinVar:

NM_032043.3(BRIP1):c.2087C>T (p.Pro696Leu)

Gene: BRIP1. ClinVar aggregate classification (germline): Uncertain significance. Uncertain significance (17).

Submissions 12 to 19 of 19:

St. Jude Molecular Pathology, St. Jude Children's Research Hospital
Classification: Uncertain significance for Familial cancer of breast. Last evaluated: 2022-08-19. Review status: criteria provided, single submitter. Criteria: St. Jude Assertion Criteria 2020. Collection method: clinical testing. Allele origin: germline.
Comment: The BRIP1 c.2087C>T (p.Pro696Leu) missense change has a maximum subpopulation frequency of 0.0093% in gnomAD v2.1.1. The in silico tool REVEL predicts a benign effect on protein function, but to our knowledge this prediction has not been confirmed by functional studies. This variant has been reported in siblings with ovarian cancer (PMID: 31882575) where one of the siblings also harbored a pathogenic variant in the ATM gene. It has also been reported in individuals with a personal and/or family history of breast cancer (PMID: 26921362, 27153395, 32885271). To our knowledge, this variant has not been reported in individuals with Fanconi anemia. In summary, the evidence currently available is insufficient to determine the role of this variant in disease. It has therefore been classified as of uncertain significance.

Women's Health and Genetics/Laboratory Corporation of America, LabCorp
Classification: Uncertain significance. Last evaluated: 2022-06-09. Review status: criteria provided, single submitter. Criteria: LabCorp Variant Classification Summary - May 2015. Collection method: clinical testing. Allele origin: germline.
Comment: Variant summary: BRIP1 c.2087C>T (p.Pro696Leu) results in a non-conservative amino acid change located in the ATP-dependent helicase, C-terminal (IPR006555) domain of the encoded protein sequence. Five of five in-silico tools predict a damaging effect of the variant on protein function. The variant allele was found at a frequency of 6.3e-05 in 255354 control chromosomes. This frequency is not significantly higher than expected for a pathogenic variant in BRIP1 causing Hereditary Breast And Ovarian Cancer Syndrome (6.3e-05 vs 6.3e-05), allowing no conclusion about variant significance. c.2087C>T has been reported in the literature in individuals affected with Hereditary Breast And Ovarian Cancer Syndrome. However, a recent case-control study showed that this variant is not associated with breast cancer (Dorling_2021). To our knowledge, no experimental evidence demonstrating an impact on protein function has been reported. Eight clinical diagnostic laboratories have submitted clinical-significance assessments for this variant to ClinVar after 2014 without evidence for independent evaluation. All laboratories classified the variant as uncertain significance. Based on the evidence outlined above, the variant was classified as uncertain significance.

Sema4
Classification: Uncertain significance for Hereditary cancer-predisposing syndrome. Last evaluated: 2021-12-26. Review status: criteria provided, single submitter. Criteria: Sema4 Curation Guidelines. Collection method: curation. Allele origin: germline.
Comment: The BRIP1 c.2087C>T (p.P696L) variant has been reported in heterozygosity in several individuals with breast cancer and/or ovarian cancer (PMID: 33471991, 26921362, 29368626, 31882575); however, it was also reported in healthy controls (PMID: 33471991, 26921362). This variant was observed in 12/129092 chromosomes in the European (non-Finnish) population, according to the Genome Aggregation Database (PMID: 32461654). This variant has been reported in ClinVar (Variation ID: 128167). In silico tools suggest the impact of the variant on protein function is deleterious, though these predictions have not been confirmed by functional studies. The evidence is insufficient to meet ACMG/AMP criteria for classifying the variant as benign or pathogenic. Thus, the clinical significance of this variant is currently uncertain.

Institute for Clinical Genetics, University Hospital TU Dresden, University Hospital TU Dresden
Classification: Uncertain significance. Last evaluated: 2021-11-03. Review status: criteria provided, single submitter. Criteria: ACMG Guidelines, 2015. Collection method: clinical testing. Allele origin: germline.

Revvity Omics, Revvity
Classification: Uncertain significance for Fanconi anemia complementation group J. Last evaluated: 2021-07-22. Review status: criteria provided, single submitter. Criteria: ACMG Guidelines, 2015. Collection method: clinical testing. Allele origin: germline.

ARUP Laboratories, Molecular Genetics and Genomics, ARUP Laboratories
Classification: Uncertain significance. Last evaluated: 2018-06-11. Review status: criteria provided, single submitter. Criteria: ARUP Molecular Germline Variant Investigation Process. Collection method: clinical testing. Allele origin: germline.
Comment: The BRIP1 c.2087C>T; p.Pro696Leu variant (rs147755155) is reported in the literature in six individuals with breast cancer, and one unaffected control (Easton 2016). This variant is reported as uncertain by multiple laboratories in ClinVar (Variation ID: 128167), and is found in the general population with an overall allele frequency of 0.005% (13/277092 alleles) in the Genome Aggregation Database. The proline at codon 696 is highly conserved, and computational analyses (SIFT, PolyPhen-2) predict that this variant is deleterious. However, due to limited information, the clinical significance of the p.Pro696Leu variant is uncertain at this time. REFERENCES Easton DF et al. No evidence that protein truncating variants in BRIP1 are associated with breast cancer risk: implications for gene panel testing. J Med Genet. 2016 May;53(5):298-309.

Counsyl
Classification: Uncertain significance for Fanconi anemia complementation group J; Ovarian cancer. Last evaluated: 2017-10-19. Review status: no assertion criteria provided. Collection method: clinical testing. Allele origin: unknown. Not counted in ClinVar's aggregate classification.

Department of Pathology and Laboratory Medicine, Sinai Health System
Classification: Uncertain significance for Malignant tumor of breast. Review status: no assertion criteria provided. Collection method: clinical testing. Allele origin: unknown. Affected: yes. Observed: 1 variant allele. Study: The Canadian Open Genetics Repository (COGR). Not counted in ClinVar's aggregate classification.
Comment: The BRIP1 p.Pro696Leu variant was not identified in the literature nor was it identified in the Cosmic, database. The variant was identified in dbSNP (ID: rs147755155) as With Uncertain significance allele, ClinVar (classified as uncertain significance by GeneDx, Ambry Genetics, Invitae), Clinvitae (classified as uncertain significance by ClinVar, Invitae), MutDB, Zhejiang Colon Cancer Database, databases. The variant was identified in control databases in 13 of 277092 chromosomes at a frequency of 0.00005 in the following populations: European in 10 of 126608 chromosomes (freq. 0.0001), African in 1 of 24030 chromosomes (freq. 0.00004), Latino in 1 of 34404 chromosomes (freq. 0.00003), Finnish in 1 of 25794 chromosomes (freq. 0.00004), increasing the likelihood that this may be a low frequency benign variant in certain populations of origin (Genome Aggregation Consortium Feb 27, 2017). The p.Pro696 residue is conserved in across mammals and other organisms and computational analyses (PolyPhen-2, SIFT, AlignGVGD, BLOSUM, MutationTaster) suggest that the variant may impact the protein; however, this information is not predictive enough to assume pathogenicity. The variant occurs outside of the splicing consensus sequence and in silico or computational prediction software programs (SpliceSiteFinder, MaxEntScan, NNSPLICE, GeneSplicer, HumanSpliceFinder) do not predict a difference in splicing. The variant is located with the DNA helicase (DNA repair), Rad3 type functional domain increasing the likelihood that it may have clinical significance. In summary, based on the above information, the clinical significance of this variant cannot be determined with certainty at this time. This variant is classified as a variant of uncertain significance.

Literature cited by the submitters: PubMed 26921362 (cited by 7 submitters); PubMed 29368626 (cited by 6 submitters); PubMed 33047316 (cited by 3 submitters); PubMed 36035419 (cited by 4 submitters); PubMed 38734904 (cited by 3 submitters); PubMed 37216690 (cited by Quest Diagnostics Nichols Institute San Juan Capistrano and Center for Genomic Medicine, Rigshospitalet, Copenhagen University Hospital); PubMed 31882575 (cited by 6 submitters); PubMed 27153395 (cited by Color Diagnostics, LLC DBA Color Health and Counsyl); PubMed 33471991 (cited by 3 submitters).